The following is an entry in ClinVar:

NM_001110354.2(ZP3):c.632G>A (p.Arg211Gln)

Gene: ZP3 (zona pellucida glycoprotein 3; plus strand). Cytogenetic location: 7q11.23.
Variant type: single nucleotide variant.
Coding change: c.632G>A on transcript NM_001110354.2 (MANE Select); coding-DNA position 632, G replaced by A.
Protein change: p.Arg211Gln; replaces arginine 211 with glutamine.
Molecular consequence: missense variant.
Genome position (GRCh38, 1-based): chr7:76,433,566, G>A. VCF-style: chr7-76433566-G-A. GRCh37 (hg19) VCF-style: chr7-76062883-G-A.
Other names: c.479G>A, p.Arg160Gln (NM_007155.6); short protein forms R160Q, R211Q.
Identifiers: ClinVar variation 2571279 (VCV002571279.27), dbSNP rs757336467, ClinGen allele CA4307448.

ClinVar aggregate classification (germline): Uncertain significance (1 of 4 stars; one submission).

Allele frequency attached by ClinVar (database versions not stated): TOPMed 0.00002; ExAC 0.00004; gnomAD 0.00004.

Submission:

CeGaT Center for Human Genetics Tuebingen
Classification: Uncertain significance. Last evaluated: 2023-05-01. Review status: criteria provided, single submitter. Criteria: CeGaT Center For Human Genetics Tuebingen Variant Classification Criteria Version 2. Collection method: clinical testing. Allele origin: germline. Affected: yes. Observed: 1 variant allele.
Comment: ZP3: PM2:Supporting, BP4